The following is an entry in ClinVar:

ClinVar aggregate classification (germline): Uncertain significance (1 of 4 stars; one submission).

Conditions:
Intellectual developmental disorder, autosomal recessive 73 (MRT73). Identifiers: MedGen C5676902, MONDO:0030533, OMIM 619717.

Submission:

Victorian Clinical Genetics Services, Murdoch Childrens Research Institute
Classification: Uncertain significance for Intellectual developmental disorder, autosomal recessive 73. Last evaluated: 2025-10-07. Review status: criteria provided, single submitter. Criteria: ACMG Guidelines, 2015. Collection method: clinical testing. Allele origin: germline. Affected: yes.
Comment: This variant is classified as VUS-3A. Evidence in support of pathogenic classification: Non-canonical splice site variant without proven consequence on splicing (no functional evidence available); Variant is absent from gnomAD (v2, v3 and v4). Additional information: This variant is heterozygous; This gene is associated with autosomal recessive disease; Alternative nucleotide change(s) at the same canonical splice site, are present in gnomAD (Highest allele count: v4: 3 heterozygote(s), 0 homozygote(s)); This variant has no previous evidence of pathogenicity; No published evidence of segregation with disease has been identified for this variant; No published functional evidence has been identified for this variant; No comparable splice site variants have previous evidence for pathogenicity; In silico prediction for abnormal splicing and nucleotide conservation are conflicting; Loss of function is a known mechanism of disease in this gene and is associated with intellectual developmental disorder, autosomal recessive 73 (MIM#619717).

NM_016100.5(NAA20):c.305+5G>T

Gene: NAA20 (N-alpha-acetyltransferase 20, NatB catalytic subunit; plus strand). Cytogenetic location: 20p11.23.
Variant type: single nucleotide variant.
Coding change: c.305+5G>T on transcript NM_016100.5 (MANE Select); 5 bases into the intron after coding-DNA position 305, G replaced by T.
Molecular consequence: intron variant.
Genome position (GRCh38, 1-based): chr20:20,026,924, G>T. VCF-style: chr20-20026924-G-T. GRCh37 (hg19) VCF-style: chr20-20007568-G-T.
Other names: c.305+5G>T (NM_181528.3); c.269+5G>T (NM_181527.3).
Identifiers: ClinVar variation 4531748 (VCV004531748.1).
Genomic context (GRCh38, chr20:20,026,924, plus strand): 5'-CGACGCCTTGGTTTGGCTGCTAAACTTATGGAGTTACTAGAGGAGATTTCAGAAAGGTGA[G>T]ATTCAGTTTTTCAAATACACTTAGTGATTTGTGGACCCCTAACCATTTTCTTCCCCTTCA-3'